The following is an entry in ClinVar:

NM_032043.3(BRIP1):c.2121T>C (p.Arg707=)

Gene: BRIP1 (BRCA1 interacting DNA helicase 1; minus strand). Cytogenetic location: 17q23.2.
Variant type: single nucleotide variant.
Coding change: c.2121T>C on transcript NM_032043.3 (MANE Select); coding-DNA position 2121, T replaced by C.
Protein change: p.Arg707=; no amino-acid change (arginine 707 retained).
Molecular consequence: synonymous variant.
Genome position (GRCh38, 1-based): chr17:61,744,568, A>G on the plus strand (T>C on the coding strand, the complement: BRIP1 is on the minus strand). VCF-style: chr17-61744568-A-G. GRCh37 (hg19) VCF-style: chr17-59821929-A-G.
Identifiers: ClinVar variation 820758 (VCV000820758.16), dbSNP rs1481107855, ClinGen allele CA501151373.

ClinVar aggregate classification (germline): Benign/Likely benign. Review status: criteria provided, multiple submitters, no conflicts (2 of 4 stars). 5 submissions from 5 submitters: Benign (1); Likely benign (3). 1 of the submissions does not count toward it. Last evaluated 2024-09-23.

Conditions:
Familial cancer of breast. Also called: Hereditary breast cancer; hereditary breast carcinoma; BREAST CANCER, FAMILIAL. Identifiers: Orphanet 227535, MedGen C0346153, MONDO:0016419, OMIM 114480. Disease mechanism: loss of function.
Fanconi anemia complementation group J. Also called: BRIP1-Related Fanconi Anemia. Identifiers: Orphanet 84, MedGen C1836860, MONDO:0012187, OMIM 609054.
Hereditary cancer-predisposing syndrome. Also called: Hereditary Cancer Syndrome; Neoplastic Syndromes, Hereditary; Hereditary neoplastic syndrome; Tumor predisposition. Identifiers: Orphanet 140162, MedGen C0027672, MeSH D009386, MONDO:0015356.

Allele frequency attached by ClinVar (database versions not stated): gnomAD exomes below 0.00001; gnomAD 0.00001; TOPMed 0.00001.
gnomAD v4.1: 3 of 1,613,574 alleles (0.00019%); highest among the groups gnomAD compares: East Asian, 0.0022%; no homozygotes.

Submissions (5):

Color Diagnostics, LLC DBA Color Health
Classification: Likely benign for Hereditary cancer-predisposing syndrome. Last evaluated: 2024-09-23. Review status: criteria provided, single submitter. Criteria: ACMG Guidelines, 2015. Collection method: clinical testing. Allele origin: germline.

Myriad Genetics, Inc.
Classification: Benign for Familial cancer of breast. Last evaluated: 2024-09-03. Review status: criteria provided, single submitter. Criteria: Myriad Autosomal Dominant, Autosomal Recessive and X-Linked Classification Criteria (2023). Collection method: clinical testing. Allele origin: unknown.
Comment: This variant is considered benign. This variant is a silent/synonymous amino acid change and it is not expected to impact splicing.

Labcorp Genetics (formerly Invitae), Labcorp
Classification: Likely benign for Familial cancer of breast; Fanconi anemia complementation group J. Last evaluated: 2023-11-17. Review status: criteria provided, single submitter. Criteria: Invitae Variant Classification Sherloc (09022015). Collection method: clinical testing. Allele origin: germline.

Ambry Genetics
Classification: Likely benign for Hereditary cancer-predisposing syndrome. Last evaluated: 2018-05-11. Review status: criteria provided, single submitter. Criteria: Ambry Variant Classification Scheme 2023. Collection method: clinical testing. Allele origin: germline.

Leiden Open Variation Database
Classification: Uncertain significance. Last evaluated: 2019-08-13. Review status: no assertion criteria provided. Collection method: curation. Allele origin: germline. Affected: yes. Not counted in ClinVar's aggregate classification.
Comment: Curator: Arleen D. Auerbach. Submitter to LOVD: Yukihide Momozawa.

Literature cited by the submitters: PubMed 31214711 (cited by Leiden Open Variation Database).